The following is an entry in ClinVar:

NM_152722.5(HEPACAM):c.1097C>T (p.Ala366Val)

Gene: HEPACAM (hepatic and glial cell adhesion molecule; minus strand). Cytogenetic location: 11q24.2.
Variant type: single nucleotide variant.
Coding change: c.1097C>T on transcript NM_152722.5 (MANE Select); coding-DNA position 1097, C replaced by T.
Protein change: p.Ala366Val; replaces alanine 366 with valine.
Molecular consequence: missense variant.
Genome position (GRCh38, 1-based): chr11:124,921,292, G>A on the plus strand (C>T on the coding strand, the complement: HEPACAM is on the minus strand). VCF-style: chr11-124921292-G-A. GRCh37 (hg19) VCF-style: chr11-124791188-G-A.
Other names: c.1253C>T, p.Ala418Val (NM_001411043.1); short protein forms A366V, A418V.
Identifiers: ClinVar variation 1804183 (VCV001804183.1), dbSNP rs1216689591, ClinGen allele CA383137589.

ClinVar aggregate classification (germline): Uncertain significance (1 of 4 stars; one submission).

Allele frequency attached by ClinVar (database versions not stated): gnomAD 0.00001.

Submission:

GeneDx
Classification: Uncertain significance. Last evaluated: 2022-12-13. Review status: criteria provided, single submitter. Criteria: GeneDx Variant Classification Process June 2021. Collection method: clinical testing. Allele origin: germline. Affected: yes.
Comment: Not observed at significant frequency in large population cohorts (gnomAD); In silico analysis supports that this missense variant does not alter protein structure/function; Has not been previously published as pathogenic or benign to our knowledge